The following is an entry in ClinVar:

NM_005359.6(SMAD4):c.1239C>A (p.Tyr413Ter)

Gene: SMAD4 (SMAD family member 4; plus strand). Cytogenetic location: 18q21.2.
Variant type: single nucleotide variant.
Coding change: c.1239C>A on transcript NM_005359.6 (MANE Select); coding-DNA position 1239, C replaced by A.
Protein change: p.Tyr413Ter; replaces tyrosine 413 with a stop codon.
Molecular consequence: nonsense.
Genome position (GRCh38, 1-based): chr18:51,067,118, C>A. VCF-style: chr18-51067118-C-A. GRCh37 (hg19) VCF-style: chr18-48593488-C-A.
Other names: p.Y413*:TAC>TAA; short protein forms Y413*.
Identifiers: ClinVar variation 182871 (VCV000182871.7), dbSNP rs730881954, ClinGen allele CA299967.
Genomic context (GRCh38, chr18:51,067,118, plus strand): 5'-TGAAGGTGATGTTTGGGTCAGGTGCCTTAGTGACCACGCGGTCTTTGTACAGAGTTACTA[C>A]TTAGACAGAGAAGCTGGGCGTGCACCTGGAGATGCTGTTCATAAGATCTACCCAAGTGCA-3'

ClinVar aggregate classification (germline): Pathogenic. Review status: criteria provided, multiple submitters, no conflicts (2 of 4 stars). 2 submissions from 2 submitters: Pathogenic (2). Last evaluated 2021-09-21.

Conditions:
Juvenile polyposis syndrome (JPS). Identifiers: Orphanet 2929, MedGen C0345893, MONDO:0017380, OMIM 174900.

Submissions (2):

Labcorp Genetics (formerly Invitae), Labcorp
Classification: Pathogenic for Juvenile polyposis syndrome. Last evaluated: 2021-09-21. Review status: criteria provided, single submitter. Criteria: Invitae Variant Classification Sherloc (09022015). Collection method: clinical testing. Allele origin: germline.
Comment: For these reasons, this variant has been classified as Pathogenic. ClinVar contains an entry for this variant (Variation ID: 182871). This premature translational stop signal has been observed in individual(s) with clinical features of juvenile polyposis syndrome (PMID: 24312718, 26681312). This variant is not present in population databases (ExAC no frequency). This sequence change creates a premature translational stop signal (p.Tyr413*) in the SMAD4 gene. It is expected to result in an absent or disrupted protein product. Loss-of-function variants in SMAD4 are known to be pathogenic (PMID: 16152648, 16436638, 22810475).

GeneDx
Classification: Pathogenic. Last evaluated: 2014-09-17. Review status: criteria provided, single submitter. Criteria: GeneDx Variant Classification (06012015). Collection method: clinical testing. Allele origin: germline. Affected: yes.
Comment: This pathogenic variant is denoted SMAD4 c.1239C>A at the cDNA level and p.Tyr413Ter (Y413X) at the protein level. The substitution creates a nonsense variant, which changes a Tyrosine to a premature stop codon (TAC>TAA), and is predicted to cause loss of normal protein function through either protein truncation or nonsense-mediated mRNA decay. Although this specific variant has not, to our knowledge, been reported in the literature, a different nucleotide substitution leading to the same truncating variant has been published in a Juvenile Polyposis Syndrome family (Jee 2013). We consider SMAD4 Tyr413Ter to be pathogenic.

Literature cited by the submitters: PubMed 24312718 (cited by Labcorp Genetics (formerly Invitae), Labcorp); PubMed 26681312 (cited by Labcorp Genetics (formerly Invitae), Labcorp); PubMed 16152648 (cited by Labcorp Genetics (formerly Invitae), Labcorp); PubMed 16436638 (cited by Labcorp Genetics (formerly Invitae), Labcorp); PubMed 22810475 (cited by Labcorp Genetics (formerly Invitae), Labcorp).